The following is an entry in ClinVar:

ClinVar aggregate classification (germline): Uncertain significance (1 of 4 stars; one submission).

Allele frequency attached by ClinVar (database versions not stated): gnomAD 0.00001; TOPMed 0.00005; ExAC 0.00011; gnomAD exomes 0.00011.
gnomAD v4.1: 44 of 1,614,022 alleles (0.0027%); highest among the groups gnomAD compares: Admixed American, 0.048%; no homozygotes.

Submission:

Labcorp Genetics (formerly Invitae), Labcorp
Classification: Uncertain significance. Last evaluated: 2024-12-18. Review status: criteria provided, single submitter. Criteria: Invitae Variant Classification Sherloc (09022015). Collection method: clinical testing. Allele origin: germline.
Comment: This sequence change replaces alanine, which is neutral and non-polar, with valine, which is neutral and non-polar, at codon 197 of the GALNT3 protein (p.Ala197Val). This variant is present in population databases (rs201078015, gnomAD 0.08%). This variant has not been reported in the literature in individuals affected with GALNT3-related conditions. ClinVar contains an entry for this variant (Variation ID: 1368702). Invitae Evidence Modeling of protein sequence and biophysical properties (such as structural, functional, and spatial information, amino acid conservation, physicochemical variation, residue mobility, and thermodynamic stability) indicates that this missense variant is not expected to disrupt GALNT3 protein function with a negative predictive value of 80%. In summary, the available evidence is currently insufficient to determine the role of this variant in disease. Therefore, it has been classified as a Variant of Uncertain Significance.

NM_004482.4(GALNT3):c.590C>T (p.Ala197Val)

Gene: GALNT3 (polypeptide N-acetylgalactosaminyltransferase 3; minus strand). Cytogenetic location: 2q24.3.
Variant type: single nucleotide variant.
Coding change: c.590C>T on transcript NM_004482.4 (MANE Select); coding-DNA position 590, C replaced by T.
Protein change: p.Ala197Val; replaces alanine 197 with valine.
Molecular consequence: missense variant.
Genome position (GRCh38, 1-based): chr2:165,764,982, G>A on the plus strand (C>T on the coding strand, the complement: GALNT3 is on the minus strand). VCF-style: chr2-165764982-G-A. GRCh37 (hg19) VCF-style: chr2-166621492-G-A.
Other names: short protein forms A197V.
Identifiers: ClinVar variation 1368702 (VCV001368702.4), dbSNP rs201078015, ClinGen allele CA1941186.